The following is an entry in ClinVar:

ClinVar aggregate classification (germline): Uncertain significance (1 of 4 stars; one submission).

Submission:

Labcorp Genetics (formerly Invitae), Labcorp
Classification: Uncertain significance. Last evaluated: 2023-02-11. Review status: criteria provided, single submitter. Criteria: Invitae Variant Classification Sherloc (09022015). Collection method: clinical testing. Allele origin: germline.
Comment: This sequence change replaces glutamic acid, which is acidic and polar, with aspartic acid, which is acidic and polar, at codon 139 of the CYFIP2 protein (p.Glu139Asp). This variant is not present in population databases (gnomAD no frequency). This variant has not been reported in the literature in individuals affected with CYFIP2-related conditions. Algorithms developed to predict the effect of missense changes on protein structure and function are either unavailable or do not agree on the potential impact of this missense change (SIFT: "Deleterious"; PolyPhen-2: "Not Available"; Align-GVGD: "Class C0"). In summary, the available evidence is currently insufficient to determine the role of this variant in disease. Therefore, it has been classified as a Variant of Uncertain Significance.

NM_001037333.3(CYFIP2):c.417G>T (p.Glu139Asp)

Gene: CYFIP2 (cytoplasmic FMR1 interacting protein 2; plus strand). Cytogenetic location: 5q33.3.
Variant type: single nucleotide variant.
Coding change: c.417G>T on transcript NM_001037333.3 (MANE Select); coding-DNA position 417, G replaced by T.
Protein change: p.Glu139Asp; replaces glutamic acid 139 with aspartic acid.
Molecular consequence: missense variant.
Genome position (GRCh38, 1-based): chr5:157,300,744, G>T. VCF-style: chr5-157300744-G-T. GRCh37 (hg19) VCF-style: chr5-156727752-G-T.
Other names: c.339G>T, p.Glu113Asp (NM_001291721.2); c.417G>T, p.Glu139Asp (NM_001291722.2, NM_014376.4); short protein forms E113D, E139D.
Identifiers: ClinVar variation 2836433 (VCV002836433.3), dbSNP rs2532305954, ClinGen allele CA361966286.